The following is an entry in ClinVar:

NM_001395002.1(MAP4K4):c.455G>A (p.Arg152Gln)

Gene: MAP4K4 (mitogen-activated protein kinase kinase kinase kinase 4; plus strand). Cytogenetic location: 2q11.2.
Variant type: single nucleotide variant.
Coding change: c.455G>A on transcript NM_001395002.1 (MANE Select); coding-DNA position 455, G replaced by A.
Protein change: p.Arg152Gln; replaces arginine 152 with glutamine.
Molecular consequence: missense variant. On other transcripts: non-coding transcript variant (4).
Genome position (GRCh38, 1-based): chr2:101,829,541, G>A. VCF-style: chr2-101829541-G-A. GRCh37 (hg19) VCF-style: chr2-102446003-G-A.
Other names: c.455G>A, p.Arg152Gln (NM_001242559.2, NM_001242560.2, NM_001384476.1 and 28 more transcripts); c.428G>A, p.Arg143Gln (NM_001384549.1, NM_001384550.1, NM_001384551.1 and 16 more transcripts); short protein forms R143Q, R152Q.
Identifiers: ClinVar variation 4879203 (VCV004879203.1).

ClinVar aggregate classification (germline): Likely pathogenic (1 of 4 stars; one submission).

Conditions:
MAP4K4-related disorder.

Submission:

Clinical Genomics Laboratory, Washington University in St. Louis
Classification: Likely pathogenic for MAP4K4-related disorder. Last evaluated: 2026-01-01. Review status: criteria provided, single submitter. Criteria: ACMG Guidelines, 2015. Collection method: clinical testing. Allele origin: germline. Affected: yes.
Comment: The MAP4K4 c.455G>A ( p.Arg152Gln) variant, to our knowledge, has not been reported in the medical literature. This variant is absent from the general population (gnomAD v.2.1.1), indicating it is not a common variant. This variant resides within the kinase domain, where many variants identified in affected individuals cluster (Patterson V et al., PMID: 37126546). Computational predictors indicate that the variant is damaging, which correlates with an impact on MAP4K4 function. Another de novo variant affecting the same codon, c.454C>T (p.Arg152Trp), has been reported in one affected individual (Patterson V et al., PMID: 37126546). Based on available information and the ACMG/AMP guidelines for variant interpretation (Richards S et al., PMID: 25741868), this variant is classified as likely pathogenic.

Literature cited by the submitters: PubMed 37126546; PubMed 38679877.